The following is an entry in ClinVar:

NM_001081.4(CUBN):c.6661G>A (p.Val2221Ile)

Gene: CUBN (cubilin; minus strand). Cytogenetic location: 10p13.
Variant type: single nucleotide variant.
Coding change: c.6661G>A on transcript NM_001081.4 (MANE Select); coding-DNA position 6661, G replaced by A.
Protein change: p.Val2221Ile; replaces valine 2221 with isoleucine.
Molecular consequence: missense variant.
Genome position (GRCh38, 1-based): chr10:16,920,123, C>T on the plus strand (G>A on the coding strand, the complement: CUBN is on the minus strand). VCF-style: chr10-16920123-C-T. GRCh37 (hg19) VCF-style: chr10-16962122-C-T.
Other names: short protein forms V2221I.
Identifiers: ClinVar variation 532204 (VCV000532204.13), dbSNP rs143291127, ClinGen allele CA5423609.

ClinVar aggregate classification (germline): Uncertain significance. Review status: criteria provided, multiple submitters, no conflicts (2 of 4 stars). 6 submissions from 6 submitters: Uncertain significance (6). Last evaluated 2024-11-19.

Conditions:
Imerslund-Grasbeck syndrome type 1 (IGS1). Also called: Megaloblastic anemia 1, Finnish type; MEGALOBLASTIC ANEMIA, 1; Imerslund-Gräsbeck syndrome 1. Identifiers: MedGen C4016819, MONDO:0100156, OMIM 261100.
Proteinuria, chronic benign. Identifiers: MedGen C5394384, MONDO:0030042, OMIM 618884.
Imerslund-Grasbeck syndrome. Also called: PERNICIOUS ANEMIA, JUVENILE, DUE TO SELECTIVE INTESTINAL MALABSORPTION OF VITAMIN B12, WITH PROTEINURIA; Imerslund-Gräsbeck syndrome; Megaloblastic anemia due to inborn errors of metabolism; ENTEROCYTE COBALAMIN MALABSORPTION; ENTEROCYTE INTRINSIC FACTOR RECEPTOR, DEFECT OF. Identifiers: Orphanet 35858, MedGen C4551825, MONDO:0009853.

Allele frequency attached by ClinVar (database versions not stated): gnomAD 0.00011 and 0.00013; TOPMed 0.00017; gnomAD exomes 0.00026 and 0.00036; ESP Exome Variant Server 0.00031; ExAC 0.00036.
gnomAD v4.1: 418 of 1,613,916 alleles (0.026%); highest among the groups gnomAD compares: Middle Eastern, 0.2%; no homozygotes.

Submissions (6):

Blueprint Genetics
Classification: Uncertain significance. Last evaluated: 2024-11-19. Review status: criteria provided, single submitter. Criteria: ACMG Guidelines, 2015. Collection method: clinical testing. Allele origin: germline.

Fulgent Genetics
Classification: Uncertain significance for Imerslund-Grasbeck syndrome type 1; Proteinuria, chronic benign. Last evaluated: 2024-03-27. Review status: criteria provided, single submitter. Criteria: ACMG Guidelines, 2015. Collection method: clinical testing. Allele origin: germline.

Labcorp Genetics (formerly Invitae), Labcorp
Classification: Uncertain significance for Imerslund-Grasbeck syndrome. Last evaluated: 2022-10-20. Review status: criteria provided, single submitter. Criteria: Invitae Variant Classification Sherloc (09022015). Collection method: clinical testing. Allele origin: germline.
Comment: This sequence change replaces valine, which is neutral and non-polar, with isoleucine, which is neutral and non-polar, at codon 2221 of the CUBN protein (p.Val2221Ile). This variant is present in population databases (rs143291127, gnomAD 0.1%). This variant has not been reported in the literature in individuals affected with CUBN-related conditions. ClinVar contains an entry for this variant (Variation ID: 532204). Advanced modeling of protein sequence and biophysical properties (such as structural, functional, and spatial information, amino acid conservation, physicochemical variation, residue mobility, and thermodynamic stability) performed at Invitae indicates that this missense variant is not expected to disrupt CUBN protein function. In summary, the available evidence is currently insufficient to determine the role of this variant in disease. Therefore, it has been classified as a Variant of Uncertain Significance.

GeneDx
Classification: Uncertain significance. Last evaluated: 2019-11-12. Review status: criteria provided, single submitter. Criteria: GeneDx Variant Classification Process June 2021. Collection method: clinical testing. Allele origin: germline. Affected: yes.
Comment: In silico analysis, which includes protein predictors and evolutionary conservation, supports that this variant does not alter protein structure/function; Identified by whole exome sequencing in two unaffected individuals from a study involving individuals with multiple sclerosis or other auto-inflammatory diseases; no evidence of pathogenicity provided (Pytel et al., 2019); This variant is associated with the following publications: (PMID: 30900415)

Illumina Laboratory Services, Illumina
Classification: Uncertain significance for Imerslund-Grasbeck syndrome type 1. Last evaluated: 2018-01-13. Review status: criteria provided, single submitter. Criteria: ICSL Variant Classification Criteria 13 December 2019. Collection method: clinical testing. Allele origin: germline.

Breakthrough Genomics
Classification: Uncertain significance. Review status: criteria provided, single submitter. Criteria: ACMG Guidelines, 2015. Collection method: not provided. Allele origin: germline. Inheritance: Autosomal recessive inheritance. Affected: yes.